The following is an entry in ClinVar:

NM_057175.5(NAA15):c.25A>G (p.Lys9Glu)

Genes: NAA15 (N-alpha-acetyltransferase 15, NatA auxiliary subunit; plus strand), NDUFC1 (NADH:ubiquinone oxidoreductase subunit C1; minus strand). Cytogenetic location: 4q31.1.
Variant type: single nucleotide variant.
Coding change: c.25A>G on transcript NM_057175.5 (MANE Select); coding-DNA position 25, A replaced by G.
Protein change: p.Lys9Glu; replaces lysine 9 with glutamic acid.
Molecular consequence: missense variant. On other transcripts: intron variant (4).
Genome position (GRCh38, 1-based): chr4:139,301,802, A>G. VCF-style: chr4-139301802-A-G. GRCh37 (hg19) VCF-style: chr4-140222956-A-G.
Other names: c.25A>G, p.Lys9Glu (NM_001410842.1); c.-159+614T>C (NM_001184990.1); c.-163+614T>C (NM_001184987.1); c.-199+614T>C (NM_001184988.1); c.-222+614T>C (NM_001184989.2); short protein forms K9E.
Identifiers: ClinVar variation 1326516 (VCV001326516.2), dbSNP rs2110800699, ClinGen allele CA358253208.

ClinVar aggregate classification (germline): Uncertain significance (1 of 4 stars; one submission).

Submission:

GeneDx
Classification: Uncertain significance. Last evaluated: 2021-05-24. Review status: criteria provided, single submitter. Criteria: GeneDx Variant Classification Process June 2021. Collection method: clinical testing. Allele origin: germline. Affected: yes.
Comment: Not observed at significant frequency in large population cohorts (Lek et al., 2016); Has not been previously published as pathogenic or benign to our knowledge; In silico analysis supports that this missense variant has a deleterious effect on protein structure/function